The following is an entry in ClinVar:

ClinVar aggregate classification (germline): Uncertain significance (1 of 4 stars; one submission).

Conditions:
Familial thoracic aortic aneurysm and aortic dissection (TAAD). Also called: Thoracic aortic aneurysms and dissections. Identifiers: Orphanet 91387, MedGen C4707243, MONDO:0019625.

gnomAD v4.1: 1 of 1,607,646 alleles (0.000062%); highest among the groups gnomAD compares: Non-Finnish European, 0.000085%; no homozygotes.

Submission:

Ambry Genetics
Classification: Uncertain significance for Familial thoracic aortic aneurysm and aortic dissection. Last evaluated: 2025-08-06. Review status: criteria provided, single submitter. Criteria: Ambry Variant Classification Scheme 2023. Collection method: clinical testing. Allele origin: germline.
Comment: The p.H1941N variant (also known as c.5821C>A), located in coding exon 46 of the FBN2 gene, results from a C to A substitution at nucleotide position 5821. The histidine at codon 1941 is replaced by asparagine, an amino acid with similar properties. This amino acid position is not well conserved in available vertebrate species. In addition, this alteration is predicted to be tolerated by in silico analysis. Based on the available evidence, the clinical significance of this variant remains unclear.

NM_001999.4(FBN2):c.5821C>A (p.His1941Asn)

Gene: FBN2 (fibrillin 2; minus strand). Cytogenetic location: 5q23.3.
Variant type: single nucleotide variant.
Coding change: c.5821C>A on transcript NM_001999.4 (MANE Select); coding-DNA position 5821, C replaced by A.
Protein change: p.His1941Asn; replaces histidine 1941 with asparagine.
Molecular consequence: missense variant.
Genome position (GRCh38, 1-based): chr5:128,303,069, G>T on the plus strand (C>A on the coding strand, the complement: FBN2 is on the minus strand). VCF-style: chr5-128303069-G-T. GRCh37 (hg19) VCF-style: chr5-127638761-G-T.
Other names: short protein forms H1941N.
Identifiers: ClinVar variation 4255498 (VCV004255498.1).
Genomic context (GRCh38, chr5:128,303,069, plus strand): 5'-GGTAGCACAGACAGTTATAGGATCCAACGGTGTTTTTACAAGTTCCATTTCCACATGGAT[G>T]CCGCTCGCACTCATCAACATCTATAAAGAAATATAGGCTCAAAAAATTCAATTTTTAACT-3'
Protein context (NP_001990.2, residues 1931-1951): MCMDVDECER[His1941Asn]PCGNGTCKNT